The following is an entry in ClinVar:

NM_000834.5(GRIN2B):c.1821G>A (p.Trp607Ter)

Gene: GRIN2B (glutamate ionotropic receptor NMDA type subunit 2B; minus strand). Cytogenetic location: 12p13.1.
Variant type: single nucleotide variant.
Coding change: c.1821G>A on transcript NM_000834.5 (MANE Select); coding-DNA position 1821, G replaced by A.
Protein change: p.Trp607Ter; replaces tryptophan 607 with a stop codon.
Molecular consequence: nonsense.
Genome position (GRCh38, 1-based): chr12:13,608,792, C>T on the plus strand (G>A on the coding strand, the complement: GRIN2B is on the minus strand). VCF-style: chr12-13608792-C-T. GRCh37 (hg19) VCF-style: chr12-13761726-C-T.
Other names: short protein forms W607*.
Identifiers: ClinVar variation 574682 (VCV000574682.9), dbSNP rs1057518700, ClinGen allele CA384051273.

ClinVar aggregate classification (germline): Pathogenic (1 of 4 stars; one submission).

Conditions:
Intellectual developmental disorder, autosomal dominant 6, with or without seizures. Also called: Intellectual disability, autosomal dominant 6; GRIN2B-related developmental delay, intellectual disability and autism spectrum disorder. Identifiers: Orphanet 589547, MedGen C3151411, MONDO:0013509, OMIM 613970.
Developmental and epileptic encephalopathy, 27 (DEE27). Also called: Epileptic encephalopathy, early infantile, 27; GRIN2B-Related Neurodevelopmental Disorder. Identifiers: Orphanet 3451, MedGen C4015316, MONDO:0014505, OMIM 616139.

Submission:

Labcorp Genetics (formerly Invitae), Labcorp
Classification: Pathogenic for Developmental and epileptic encephalopathy, 27; Intellectual developmental disorder, autosomal dominant 6, with or without seizures. Last evaluated: 2020-05-11. Review status: criteria provided, single submitter. Criteria: Invitae Variant Classification Sherloc (09022015). Collection method: clinical testing. Allele origin: germline.
Comment: For these reasons, this variant has been classified as Pathogenic. Loss-of-function variants in GRIN2B are known to be pathogenic (PMID: 28377535). This variant has not been reported in the literature in individuals with GRIN2B-related conditions. ClinVar contains an entry for this variant (Variation ID: 574682). This variant is not present in population databases (ExAC no frequency). This sequence change creates a premature translational stop signal (p.Trp607*) in the GRIN2B gene. It is expected to result in an absent or disrupted protein product.

Literature cited by the submitters: PubMed 28377535.